The following is an entry in ClinVar:

ClinVar aggregate classification (germline): Uncertain significance. Review status: criteria provided, multiple submitters, no conflicts (2 of 4 stars). 4 submissions from 4 submitters: Uncertain significance (4). Last evaluated 2026-03-04.

Conditions:
KIAA0586-related disorder. Also called: KIAA0586-related condition; KIAA0586- Related disorders.
Joubert syndrome 23 (JBTS23). Identifiers: Orphanet 475, MedGen C4084822, MONDO:0014664, OMIM 616490.
Short-rib thoracic dysplasia 14 with polydactyly (SRTD14). Identifiers: Orphanet 397715, MedGen C4225286, MONDO:0014688, OMIM 616546.
Inborn genetic diseases. Identifiers: MedGen C0950123, MeSH D030342.

Allele frequency attached by ClinVar (database versions not stated): gnomAD 0.00001 and 0.00003; TOPMed 0.00003; gnomAD exomes 0.00004 and 0.00014; ExAC 0.00009.
gnomAD v4.1: 196 of 1,550,192 alleles (0.013%); highest among the groups gnomAD compares: Non-Finnish European, 0.017%; no homozygotes.

Submissions (4):

PreventionGenetics, part of Exact Sciences
Classification: Uncertain significance for KIAA0586-related condition. Last evaluated: 2026-03-04. Review status: criteria provided, single submitter. Criteria: ACMG Guidelines, 2015. Collection method: clinical testing. Allele origin: germline.
Comment: The KIAA0586 c.4067A>G variant is predicted to result in the amino acid substitution p.Lys1356Arg. To our knowledge, this variant has not been reported in the literature. This variant is reported in 0.0066% of alleles in individuals of European (Non-Finnish) descent in gnomAD. At this time, the clinical significance of this variant is uncertain due to the absence of conclusive functional and genetic evidence.

Labcorp Genetics (formerly Invitae), Labcorp
Classification: Uncertain significance for Joubert syndrome 23; Short-rib thoracic dysplasia 14 with polydactyly. Last evaluated: 2025-11-23. Review status: criteria provided, single submitter. Criteria: Invitae Variant Classification Sherloc (09022015). Collection method: clinical testing. Allele origin: germline.
Comment: This sequence change replaces lysine, which is basic and polar, with arginine, which is basic and polar, at codon 1356 of the KIAA0586 protein (p.Lys1356Arg). The frequency data for this variant in the population databases is considered unreliable, as metrics indicate poor data quality at this position in the gnomAD database. This variant has not been reported in the literature in individuals affected with KIAA0586-related conditions. ClinVar contains an entry for this variant (Variation ID: 1369519). Invitae Evidence Modeling of protein sequence and biophysical properties (such as structural, functional, and spatial information, amino acid conservation, physicochemical variation, residue mobility, and thermodynamic stability) indicates that this missense variant is not expected to disrupt KIAA0586 protein function with a negative predictive value of 80%. In summary, the available evidence is currently insufficient to determine the role of this variant in disease. Therefore, it has been classified as a Variant of Uncertain Significance.

Ambry Genetics
Classification: Uncertain significance for Inborn genetic diseases. Last evaluated: 2025-05-17. Review status: criteria provided, single submitter. Criteria: Ambry Variant Classification Scheme 2023. Collection method: clinical testing. Allele origin: germline.

Blueprint Genetics
Classification: Uncertain significance. Last evaluated: 2023-07-27. Review status: criteria provided, single submitter. Criteria: ACMG Guidelines, 2015. Collection method: clinical testing. Allele origin: germline.

NM_001329943.3(KIAA0586):c.3908A>G (p.Lys1303Arg)

Gene: KIAA0586 (KIAA0586; plus strand). Cytogenetic location: 14q23.1.
Variant type: single nucleotide variant.
Coding change: c.3908A>G on transcript NM_001329943.3 (MANE Select); coding-DNA position 3908, A replaced by G.
Protein change: p.Lys1303Arg; replaces lysine 1303 with arginine.
Molecular consequence: missense variant. On other transcripts: intron variant (1).
Genome position (GRCh38, 1-based): chr14:58,492,193, A>G. VCF-style: chr14-58492193-A-G. GRCh37 (hg19) VCF-style: chr14-58958911-A-G.
Other names: c.3863A>G, p.Lys1288Arg (NM_001244190.2); c.3653A>G, p.Lys1218Arg (NM_001244191.2, NM_001329945.2, NM_001364700.1 and 1 more transcripts); c.3776A>G, p.Lys1259Arg (NM_001244192.2); c.3488A>G, p.Lys1163Arg (NM_001244193.2); c.3908A>G, p.Lys1303Arg (NM_001329944.2, NM_001329946.2); c.4067A>G, p.Lys1356Arg (NM_001244189.2); c.3680A>G, p.Lys1227Arg (NM_014749.5); c.3858+1953A>G (NM_001329947.2); and 2 more; short protein forms K1218R, K1227R, K1259R, K1356R, K1303R, K1163R, K1288R.
Identifiers: ClinVar variation 1369519 (VCV001369519.11), dbSNP rs767855931, ClinGen allele CA7206285.